The following is an entry in ClinVar:

ClinVar aggregate classification (germline): Uncertain significance. Review status: criteria provided, multiple submitters, no conflicts (2 of 4 stars). 2 submissions from 2 submitters: Uncertain significance (2). Last evaluated 2025-07-30.

Conditions:
Ataxia-telangiectasia syndrome (AT). Also called: LOUIS-BAR SYNDROME; Cerebello-oculocutaneous telangiectasia; Immunodeficiency with ataxia telangiectasia; Ataxia telangiectasia (A-T); Ataxia-telangiectasia, complementation group D; AT, COMPLEMENTATION GROUP C. Identifiers: Orphanet 100, MedGen C0004135, MONDO:0008840, OMIM 208900.
Hereditary cancer-predisposing syndrome. Also called: Tumor predisposition; Neoplastic Syndromes, Hereditary; Hereditary Cancer Syndrome; Hereditary neoplastic syndrome. Identifiers: Orphanet 140162, MedGen C0027672, MeSH D009386, MONDO:0015356.

Submissions (2):

Ambry Genetics
Classification: Uncertain significance for Hereditary cancer-predisposing syndrome. Last evaluated: 2025-07-30. Review status: criteria provided, single submitter. Criteria: Ambry Variant Classification Scheme 2023. Collection method: clinical testing. Allele origin: germline.
Comment: The p.Q2733P variant (also known as c.8198A>C), located in coding exon 55 of the ATM gene, results from an A to C substitution at nucleotide position 8198. The glutamine at codon 2733 is replaced by proline, an amino acid with similar properties. This variant has been identified in conjunction with another ATM variant in an individual who met clinical criteria for ataxia telangiectasia; these variants were identified in trans (Piane M et al. J Neurol Sci, 2016 Dec;371:48-53). This amino acid position is well conserved in available vertebrate species. In addition, the in silico prediction for this alteration is inconclusive. Based on the available evidence, the clinical significance of this variant remains unclear.

Labcorp Genetics (formerly Invitae), Labcorp
Classification: Uncertain significance for Ataxia-telangiectasia syndrome. Last evaluated: 2024-12-24. Review status: criteria provided, single submitter. Criteria: Invitae Variant Classification Sherloc (09022015). Collection method: clinical testing. Allele origin: germline.
Comment: This sequence change replaces glutamine, which is neutral and polar, with proline, which is neutral and non-polar, at codon 2733 of the ATM protein (p.Gln2733Pro). This variant is not present in population databases (gnomAD no frequency). This missense change has been observed in individual(s) with ataxia-telangiectasia (PMID: 27871447). In at least one individual the data is consistent with being in trans (on the opposite chromosome) from a pathogenic variant. ClinVar contains an entry for this variant (Variation ID: 2735748). Invitae Evidence Modeling of protein sequence and biophysical properties (such as structural, functional, and spatial information, amino acid conservation, physicochemical variation, residue mobility, and thermodynamic stability) indicates that this missense variant is not expected to disrupt ATM protein function with a negative predictive value of 95%. In summary, the available evidence is currently insufficient to determine the role of this variant in disease. Therefore, it has been classified as a Variant of Uncertain Significance.

Literature cited by the submitters: PubMed 27871447 (cited by Ambry Genetics and Labcorp Genetics (formerly Invitae), Labcorp).

NM_000051.4(ATM):c.8198A>C (p.Gln2733Pro)

Genes: ATM (ATM serine/threonine kinase; plus strand), C11orf65 (chromosome 11 open reading frame 65; minus strand). Cytogenetic location: 11q22.3.
Variant type: single nucleotide variant.
Coding change: c.8198A>C on transcript NM_000051.4 (MANE Select); coding-DNA position 8198, A replaced by C.
Protein change: p.Gln2733Pro; replaces glutamine 2733 with proline.
Molecular consequence: missense variant. On other transcripts: intron variant (2).
Genome position (GRCh38, 1-based): chr11:108,335,891, A>C. VCF-style: chr11-108335891-A-C. GRCh37 (hg19) VCF-style: chr11-108206618-A-C.
Other names: c.8198A>C, p.Gln2733Pro (NM_001351834.2); c.641-26820T>G (NM_001330368.2); c.695-599T>G (NM_001351110.2); short protein forms Q2733P.
Identifiers: ClinVar variation 2735748 (VCV002735748.5), dbSNP rs1591198624, ClinGen allele CA382562552.